The following is an entry in ClinVar:

ClinVar aggregate classification (germline): Uncertain significance (1 of 4 stars; one submission).

gnomAD v4.1: 3 of 1,614,158 alleles (0.00019%); highest among the groups gnomAD compares: Middle Eastern, 0.017%; no homozygotes.

Submission:

CeGaT Center for Human Genetics Tuebingen
Classification: Uncertain significance. Last evaluated: 2026-01-01. Review status: criteria provided, single submitter. Criteria: CeGaT Center For Human Genetics Tuebingen Variant Classification Criteria Version 2. Collection method: clinical testing. Allele origin: germline. Affected: yes. Observed: 1 variant allele.
Comment: SLC39A14: PM2

NM_001128431.4(SLC39A14):c.970T>C (p.Trp324Arg)

Gene: SLC39A14 (solute carrier family 39 member 14; plus strand). Cytogenetic location: 8p21.3.
Variant type: single nucleotide variant.
Coding change: c.970T>C on transcript NM_001128431.4 (MANE Select); coding-DNA position 970, T replaced by C.
Protein change: p.Trp324Arg; replaces tryptophan 324 with arginine.
Molecular consequence: missense variant.
Genome position (GRCh38, 1-based): chr8:22,416,103, T>C. VCF-style: chr8-22416103-T-C. GRCh37 (hg19) VCF-style: chr8-22273616-T-C.
Other names: c.970T>C, p.Trp324Arg (NM_001135153.3, NM_001135154.3, NM_001351655.2 and 3 more transcripts); c.1000T>C, p.Trp334Arg (NM_001351657.2, NM_001351658.2, NM_001351659.2); short protein forms W324R, W334R.
Identifiers: ClinVar variation 4822959 (VCV004822959.4).
Genomic context (GRCh38, chr8:22,416,103, plus strand): 5'-TGTGGGCCCTGGGGGTGTGCTTTCTCCTAGGACCTGCAGGCTTCCCAGAGTGCTTGCTAC[T>C]GGCTGAAAGGTGTCCGCTACTCTGATATCGGCACTCTGGCCTGGATGATCACTCTGAGCG-3'
Protein context (NP_001121903.1, residues 314-334): DLQASQSACY[Trp324Arg]LKGVRYSDIG